The following is an entry in ClinVar:

NM_181882.3(PRX):c.1402G>A (p.Val468Met)

Gene: PRX (periaxin; minus strand). Cytogenetic location: 19q13.2.
Variant type: single nucleotide variant.
Coding change: c.1402G>A on transcript NM_181882.3 (MANE Select); coding-DNA position 1402, G replaced by A.
Protein change: p.Val468Met; replaces valine 468 with methionine.
Molecular consequence: missense variant. On other transcripts: 3 prime UTR variant (1).
Genome position (GRCh38, 1-based): chr19:40,396,950, C>T on the plus strand (G>A on the coding strand, the complement: PRX is on the minus strand). VCF-style: chr19-40396950-C-T. GRCh37 (hg19) VCF-style: chr19-40902857-C-T.
Other names: c.*1607G>A (NM_020956.2); short protein forms V468M.
Identifiers: ClinVar variation 694920 (VCV000694920.5), dbSNP rs763489447, ClinGen allele CA9444269.

ClinVar aggregate classification (germline): Uncertain significance. Review status: criteria provided, single submitter (1 of 4 stars). 2 submissions from 2 submitters: Uncertain significance (1). 1 of the submissions does not count toward it. Last evaluated 2022-06-26.

Conditions:
Charcot-Marie-Tooth disease type 4. Also called: Charcot-Marie-Tooth disease, type IV; Charcot-Marie-Tooth, Type 4. Identifiers: Orphanet 64749, MedGen C4082197, MONDO:0018995.
Charcot-Marie-Tooth disease, type I (CMT1). Also called: Charcot-Marie-Tooth, Type 1; Charcot-Marie-Tooth disease type 1. Identifiers: Orphanet 65753, MedGen C0751036, MONDO:0019011.

Allele frequency attached by ClinVar (database versions not stated): TOPMed below 0.00001; gnomAD exomes 0.00003 and 0.00006; ExAC 0.00007.
gnomAD v4.1: 45 of 1,614,206 alleles (0.0028%); highest among the groups gnomAD compares: South Asian, 0.045%; 1 homozygote.

Submissions (2):

Labcorp Genetics (formerly Invitae), Labcorp
Classification: Uncertain significance for Charcot-Marie-Tooth disease type 4. Last evaluated: 2022-06-26. Review status: criteria provided, single submitter. Criteria: Invitae Variant Classification Sherloc (09022015). Collection method: clinical testing. Allele origin: germline.
Comment: ClinVar contains an entry for this variant (Variation ID: 694920). This sequence change replaces valine, which is neutral and non-polar, with methionine, which is neutral and non-polar, at codon 468 of the PRX protein (p.Val468Met). This variant is present in population databases (rs763489447, gnomAD 0.05%). This variant has not been reported in the literature in individuals affected with PRX-related conditions. Algorithms developed to predict the effect of missense changes on protein structure and function output the following: SIFT: "Deleterious"; PolyPhen-2: "Possibly Damaging"; Align-GVGD: "Class C0". The methionine amino acid residue is found in multiple mammalian species, which suggests that this missense change does not adversely affect protein function. In summary, the available evidence is currently insufficient to determine the role of this variant in disease. Therefore, it has been classified as a Variant of Uncertain Significance.

Genesis Genome Database
Classification: Uncertain significance for Charcot-Marie-Tooth disease, type I. Last evaluated: 2019-08-14. Review status: no assertion criteria provided. Collection method: research. Allele origin: germline. Affected: yes. Not counted in ClinVar's aggregate classification.